The following is an entry in ClinVar:

NM_182914.3(SYNE2):c.15659C>T (p.Ala5220Val)

Gene: SYNE2 (spectrin repeat containing nuclear envelope protein 2; plus strand). Cytogenetic location: 14q23.2.
Variant type: single nucleotide variant.
Coding change: c.15659C>T on transcript NM_182914.3 (MANE Select); coding-DNA position 15659, C replaced by T.
Protein change: p.Ala5220Val; replaces alanine 5220 with valine.
Molecular consequence: missense variant.
Genome position (GRCh38, 1-based): chr14:64,152,583, C>T. VCF-style: chr14-64152583-C-T. GRCh37 (hg19) VCF-style: chr14-64619301-C-T.
Other names: c.15659C>T, p.Ala5220Val (NM_015180.6); short protein forms A5220V.
Identifiers: ClinVar variation 4698484 (VCV004698484.1).
Genomic context (GRCh38, chr14:64,152,583, plus strand): 5'-TAATATTGTGCATTGAAAACCTTTTCCTCTTACTCTTCCAGGATATAGAAAATCAACTTG[C>T]AATTAAATCCAAAGCACTAGATGAGTTGAAACAAAGTTATCTGACTTTGGAGAGTGGGGC-3'
Protein context (NP_878918.2, residues 5210-5230): LDCQDIENQL[Ala5220Val]IKSKALDELK

ClinVar aggregate classification (germline): Uncertain significance (1 of 4 stars; one submission).

Conditions:
Emery-Dreifuss muscular dystrophy 5, autosomal dominant (EDMD5). Also called: EMERY-DREIFUSS MUSCULAR DYSTROPHY 5. Identifiers: Orphanet 261, MedGen C2751805, MONDO:0013072, OMIM 612999.

Submission:

Labcorp Genetics (formerly Invitae), Labcorp
Classification: Uncertain significance for Emery-Dreifuss muscular dystrophy 5, autosomal dominant. Last evaluated: 2026-01-02. Review status: criteria provided, single submitter. Criteria: Invitae Variant Classification Sherloc (09022015). Collection method: clinical testing. Allele origin: germline.
Comment: This sequence change replaces alanine, which is neutral and non-polar, with valine, which is neutral and non-polar, at codon 5220 of the SYNE2 protein (p.Ala5220Val). This variant is not present in population databases (gnomAD no frequency). This variant has not been reported in the literature in individuals affected with SYNE2-related conditions. An algorithm developed to predict the effect of missense changes on protein structure and function (PolyPhen-2) suggests that this variant is likely to be disruptive. In summary, the available evidence is currently insufficient to determine the role of this variant in disease. Therefore, it has been classified as a Variant of Uncertain Significance.